The following is an entry in ClinVar:

NM_004963.4(GUCY2C):c.3035C>A (p.Thr1012Asn)

Genes: GUCY2C (guanylate cyclase 2C; minus strand), PLBD1-AS1 (PLBD1 antisense RNA 1; plus strand), LOC130007489 (ATAC-STARR-seq lymphoblastoid silent region 4275; plus strand). Cytogenetic location: 12p12.3.
Variant type: single nucleotide variant.
Coding change: c.3035C>A on transcript NM_004963.4 (MANE Select); coding-DNA position 3035, C replaced by A.
Protein change: p.Thr1012Asn; replaces threonine 1012 with asparagine.
Molecular consequence: missense variant.
Genome position (GRCh38, 1-based): chr12:14,614,879, G>T on the plus strand (C>A on the coding strand, the complement: GUCY2C is on the minus strand). VCF-style: chr12-14614879-G-T. GRCh37 (hg19) VCF-style: chr12-14767813-G-T.
Other names: short protein forms T1012N.
Identifiers: ClinVar variation 1991186 (VCV001991186.4), dbSNP rs535349983, ClinGen allele CA233220346.

ClinVar aggregate classification (germline): Uncertain significance (1 of 4 stars; one submission).

Allele frequency attached by ClinVar (database versions not stated): gnomAD 0.00001; 1000 Genomes Project 30x 0.00016; 1000 Genomes Project 0.00020.
gnomAD v4.1: 12 of 1,585,262 alleles (0.00076%); highest among the groups gnomAD compares: South Asian, 0.011%; no homozygotes.

Submission:

Labcorp Genetics (formerly Invitae), Labcorp
Classification: Uncertain significance. Last evaluated: 2023-06-09. Review status: criteria provided, single submitter. Criteria: Invitae Variant Classification Sherloc (09022015). Collection method: clinical testing. Allele origin: germline.
Comment: In summary, the available evidence is currently insufficient to determine the role of this variant in disease. Therefore, it has been classified as a Variant of Uncertain Significance. An algorithm developed to predict the effect of missense changes on protein structure and function (PolyPhen-2) suggests that this variant is likely to be disruptive. ClinVar contains an entry for this variant (Variation ID: 1991186). This variant has not been reported in the literature in individuals affected with GUCY2C-related conditions. This variant is present in population databases (rs535349983, gnomAD 0.007%). This sequence change replaces threonine, which is neutral and polar, with asparagine, which is neutral and polar, at codon 1012 of the GUCY2C protein (p.Thr1012Asn).